The following is an entry in ClinVar:

ClinVar aggregate classification (germline): Uncertain significance. Review status: criteria provided, multiple submitters, no conflicts (2 of 4 stars). 3 submissions from 3 submitters: Uncertain significance (3). Last evaluated 2026-08-17.

Conditions:
TBC1D24-related disorder. Also called: TBC1D24-related disorders; TBC1D24-related condition. Identifiers: MedGen CN381194.
Developmental and epileptic encephalopathy, 1 (DEE1). Also called: Epileptic encephalopathy, early infantile, 1; X-linked infantile spasms; West's syndrome; Tonic spasms with clustering, arrest of psychomotor development and hypsarrhythmia on EEG; X-Linked Infantile Spasm Syndrome; OHTAHARA SYNDROME, X-LINKED. Identifiers: MedGen C3463992, MONDO:0010632, OMIM 308350. Disease mechanism: loss of function.
Autosomal dominant nonsyndromic hearing loss 65. Also called: TBC1D24-Related Autosomal Dominant Nonsyndromic Hearing Loss (DFNA); Deafness, autosomal dominant 65. Identifiers: Orphanet 90635, MedGen C3892048, MONDO:0014470, OMIM 616044.

Allele frequency attached by ClinVar (database versions not stated): gnomAD 0.00001 and 0.00002; gnomAD exomes 0.00001 and 0.00002; ExAC 0.00002; TOPMed 0.00002; 1000 Genomes Project 30x 0.00016; 1000 Genomes Project 0.00020.

Submissions (3):

PreventionGenetics, part of Exact Sciences
Classification: Uncertain significance for TBC1D24-related condition. Last evaluated: 2026-08-17. Review status: criteria provided, single submitter. Criteria: ACMG Guidelines, 2015. Collection method: clinical testing. Allele origin: germline.
Comment: The TBC1D24 c.272C>T variant is predicted to result in the amino acid substitution p.Pro91Leu. To our knowledge, this variant has not been reported in the literature. This variant is reported in 0.0065% of alleles in individuals of African descent in gnomAD. At this time, the clinical significance of this variant is uncertain due to the absence of conclusive functional and genetic evidence.

Labcorp Genetics (formerly Invitae), Labcorp
Classification: Uncertain significance for Developmental and epileptic encephalopathy, 1; Autosomal dominant nonsyndromic hearing loss 65. Last evaluated: 2024-12-03. Review status: criteria provided, single submitter. Criteria: Invitae Variant Classification Sherloc (09022015). Collection method: clinical testing. Allele origin: germline.
Comment: This sequence change replaces proline, which is neutral and non-polar, with leucine, which is neutral and non-polar, at codon 91 of the TBC1D24 protein (p.Pro91Leu). This variant is present in population databases (rs543224888, gnomAD 0.007%). This variant has not been reported in the literature in individuals affected with TBC1D24-related conditions. ClinVar contains an entry for this variant (Variation ID: 872320). Invitae Evidence Modeling of protein sequence and biophysical properties (such as structural, functional, and spatial information, amino acid conservation, physicochemical variation, residue mobility, and thermodynamic stability) indicates that this missense variant is not expected to disrupt TBC1D24 protein function with a negative predictive value of 80%. In summary, the available evidence is currently insufficient to determine the role of this variant in disease. Therefore, it has been classified as a Variant of Uncertain Significance.

CeGaT Center for Human Genetics Tuebingen
Classification: Uncertain significance. Last evaluated: 2019-11-01. Review status: criteria provided, single submitter. Criteria: CeGaT Center For Human Genetics Tuebingen Variant Classification Criteria Version 2. Collection method: clinical testing. Allele origin: germline. Affected: yes. Observed: 1 variant allele.

NM_001199107.2(TBC1D24):c.272C>T (p.Pro91Leu)

Gene: TBC1D24 (TBC1 domain family member 24; plus strand). Cytogenetic location: 16p13.3.
Variant type: single nucleotide variant.
Coding change: c.272C>T on transcript NM_001199107.2 (MANE Select); coding-DNA position 272, C replaced by T.
Protein change: p.Pro91Leu; replaces proline 91 with leucine.
Molecular consequence: missense variant.
Genome position (GRCh38, 1-based): chr16:2,496,420, C>T. VCF-style: chr16-2496420-C-T. GRCh37 (hg19) VCF-style: chr16-2546421-C-T.
Other names: c.272C>T, p.Pro91Leu (NM_020705.3); c.272C>T (NM_001199107.1); short protein forms P91L.
Identifiers: ClinVar variation 872320 (VCV000872320.49), dbSNP rs543224888, ClinGen allele CA7843962.